The following is an entry in ClinVar:

NM_001848.3(COL6A1):c.2660A>G (p.Glu887Gly)

Gene: COL6A1 (collagen type VI alpha 1 chain; plus strand). Cytogenetic location: 21q22.3.
Variant type: single nucleotide variant.
Coding change: c.2660A>G on transcript NM_001848.3 (MANE Select); coding-DNA position 2660, A replaced by G.
Protein change: p.Glu887Gly; replaces glutamic acid 887 with glycine.
Molecular consequence: missense variant.
Genome position (GRCh38, 1-based): chr21:46,003,586, A>G. VCF-style: chr21-46003586-A-G. GRCh37 (hg19) VCF-style: chr21-47423500-A-G.
Other names: short protein forms E887G.
Identifiers: ClinVar variation 196951 (VCV000196951.6), dbSNP rs794727581, ClinGen allele CA244785.

ClinVar aggregate classification (germline): Uncertain significance. Review status: criteria provided, multiple submitters, no conflicts (2 of 4 stars). 2 submissions from 2 submitters: Uncertain significance (2). Last evaluated 2017-06-30.

Allele frequency attached by ClinVar (database versions not stated): gnomAD exomes 0.00001.
gnomAD v4.1: 14 of 1,612,716 alleles (0.00087%); highest among the groups gnomAD compares: Non-Finnish European, 0.0012%; no homozygotes.

Submissions (2):

GeneDx
Classification: Uncertain significance. Last evaluated: 2017-06-30. Review status: criteria provided, single submitter. Criteria: GeneDx Variant Classification (06012015). Collection method: clinical testing. Allele origin: germline. Affected: yes.
Comment: The E887G variant has not been published as a pathogenic variant, nor has it been reported as a benign variant to our knowledge. It is not observed in large population cohorts (Lek et al., 2016; 1000 Genomes Consortium et al., 2015; Exome Variant Server). The E887G variant is a non-conservative amino acid substitution, which is likely to impact secondary protein structure as these residues differ in polarity, charge, size and/or other properties. However, this substitution occurs at a position that is not conserved across species. Additionally, in silico analysis predicts this variant likely does not alter the protein structure/function.

Eurofins Ntd Llc (ga)
Classification: Uncertain significance. Last evaluated: 2014-11-20. Review status: criteria provided, single submitter. Criteria: EGL Classification Definitions 2015. Collection method: clinical testing. Allele origin: germline. Observed: 1 variant allele, 1 heterozygote.